The following is an entry in ClinVar:

NM_024422.6(DSC2):c.474+5C>A

Gene: DSC2 (desmocollin 2; minus strand). Cytogenetic location: 18q12.1.
Variant type: single nucleotide variant.
Coding change: c.474+5C>A on transcript NM_024422.6 (MANE Select); 5 bases into the intron after coding-DNA position 474, C replaced by A.
Molecular consequence: intron variant.
Genome position (GRCh38, 1-based): chr18:31,091,023, G>T on the plus strand (C>A on the coding strand, the complement: DSC2 is on the minus strand). VCF-style: chr18-31091023-G-T. GRCh37 (hg19) VCF-style: chr18-28670986-G-T.
Other names: c.474+5C>A (NM_004949.5).
Identifiers: ClinVar variation 46192 (VCV000046192.4), dbSNP rs397517400, ClinGen allele CA022851.

ClinVar aggregate classification (germline): Uncertain significance (1 of 4 stars; one submission).

Submission:

Laboratory for Molecular Medicine, Mass General Brigham Personalized Medicine
Classification: Uncertain significance. Last evaluated: 2012-01-13. Review status: criteria provided, single submitter. Criteria: LMM Criteria. Collection method: clinical testing. Allele origin: germline. Observed: 1 variant allele.
Comment: The 474+5C>A variant (DSC2) has not been reported in the literature nor previous ly identified by our laboratory. This variant is located in the 5' splice region but does not affect the highly conserved +1 and +2 positions. However, positio ns +3 to +6 are part of the splicing consensus sequence and variants involving t hese positions sometimes affect splicing. Of note, computational tools do not pr edict an effect but their accuracy is unknown. In summary, additional informatio n is needed to determine the clinical significance of this variant.